The following is an entry in ClinVar:

ClinVar aggregate classification (germline): Likely benign (0 of 4 stars; one submission).

Conditions:
DNAH7-related disorder. Also called: DNAH7-related condition.

Allele frequency attached by ClinVar (database versions not stated): gnomAD exomes 0.00018; ExAC 0.00043; ESP Exome Variant Server 0.00116; gnomAD 0.00148; TOPMed 0.00155; 1000 Genomes Project 0.00160; 1000 Genomes Project 30x 0.00219.
gnomAD v4.1: 505 of 1,611,132 alleles (0.031%); highest among the groups gnomAD compares: African/African-American, 0.53%; no homozygotes.

Submission:

PreventionGenetics, part of Exact Sciences
Classification: Likely benign for DNAH7-related condition. Last evaluated: 2022-11-11. Review status: no assertion criteria provided. Collection method: clinical testing. Allele origin: germline.
Comment: This variant is classified as likely benign based on ACMG/AMP sequence variant interpretation guidelines (Richards et al. 2015 PMID: 25741868, with internal and published modifications).

NM_018897.3(DNAH7):c.10894G>A (p.Ala3632Thr)

Gene: DNAH7 (dynein axonemal heavy chain 7; minus strand). Cytogenetic location: 2q32.3.
Variant type: single nucleotide variant.
Coding change: c.10894G>A on transcript NM_018897.3 (MANE Select); coding-DNA position 10894, G replaced by A.
Protein change: p.Ala3632Thr; replaces alanine 3632 with threonine.
Molecular consequence: missense variant.
Genome position (GRCh38, 1-based): chr2:195,777,970, C>T on the plus strand (G>A on the coding strand, the complement: DNAH7 is on the minus strand). VCF-style: chr2-195777970-C-T. GRCh37 (hg19) VCF-style: chr2-196642694-C-T.
Other names: short protein forms A3632T.
Identifiers: ClinVar variation 3039984 (VCV003039984.2), dbSNP rs115706041, ClinGen allele CA2033917.